The following is an entry in ClinVar:

ClinVar aggregate classification (germline): Uncertain significance. Review status: criteria provided, multiple submitters, no conflicts (2 of 4 stars). 3 submissions from 3 submitters: Uncertain significance (3). Last evaluated 2025-09-17.

Conditions:
Neurofibromatosis, type 1 (NF1). Also called: Neurofibromatosis, type I; NEUROFIBROMATOSIS, TYPE I, SOMATIC; VON RECKLINGHAUSEN DISEASE; Peripheral type neurofibromatosis. Identifiers: Orphanet 636, MedGen C0027831, MONDO:0018975, OMIM 162200. Disease mechanism: loss of function.
Hereditary cancer-predisposing syndrome. Also called: Neoplastic Syndromes, Hereditary; Hereditary Cancer Syndrome; Tumor predisposition; Hereditary neoplastic syndrome. Identifiers: Orphanet 140162, MedGen C0027672, MeSH D009386, MONDO:0015356.
Cardiovascular phenotype. Identifiers: MedGen CN230736.

Submissions (3):

Ambry Genetics
Classification: Uncertain significance for Cardiovascular phenotype; Hereditary cancer-predisposing syndrome. Last evaluated: 2025-09-17. Review status: criteria provided, single submitter. Criteria: Ambry Variant Classification Scheme 2023. Collection method: clinical testing. Allele origin: germline.
Comment: The p.K908E variant (also known as c.2722A>G), located in coding exon 21 of the NF1 gene, results from an A to G substitution at nucleotide position 2722. The lysine at codon 908 is replaced by glutamic acid, an amino acid with similar properties. This amino acid position is well conserved in available vertebrate species. In addition, the in silico prediction for this alteration is inconclusive. Based on the available evidence, the clinical significance of this variant remains unclear.

Labcorp Genetics (formerly Invitae), Labcorp
Classification: Uncertain significance for Neurofibromatosis, type 1. Last evaluated: 2024-06-11. Review status: criteria provided, single submitter. Criteria: Invitae Variant Classification Sherloc (09022015). Collection method: clinical testing. Allele origin: germline.
Comment: This sequence change replaces lysine, which is basic and polar, with glutamic acid, which is acidic and polar, at codon 908 of the NF1 protein (p.Lys908Glu). This variant is not present in population databases (gnomAD no frequency). This variant has not been reported in the literature in individuals affected with NF1-related conditions. ClinVar contains an entry for this variant (Variation ID: 2579812). Advanced modeling of protein sequence and biophysical properties (such as structural, functional, and spatial information, amino acid conservation, physicochemical variation, residue mobility, and thermodynamic stability) has been performed at Invitae for this missense variant, however the output from this modeling did not meet the statistical confidence thresholds required to predict the impact of this variant on NF1 protein function. In summary, the available evidence is currently insufficient to determine the role of this variant in disease. Therefore, it has been classified as a Variant of Uncertain Significance.

GeneDx
Classification: Uncertain significance. Last evaluated: 2023-03-15. Review status: criteria provided, single submitter. Criteria: GeneDx Variant Classification Process June 2021. Collection method: clinical testing. Allele origin: germline. Affected: yes.
Comment: Not observed at significant frequency in large population cohorts (gnomAD); In silico analysis supports that this missense variant has a deleterious effect on protein structure/function; Has not been previously published as pathogenic or benign to our knowledge; This variant is associated with the following publications: (PMID: 25486365, 2121369)

NM_001042492.3(NF1):c.2722A>G (p.Lys908Glu)

Gene: NF1 (neurofibromin 1; plus strand). Cytogenetic location: 17q11.2.
Variant type: single nucleotide variant.
Coding change: c.2722A>G on transcript NM_001042492.3 (MANE Select); coding-DNA position 2722, A replaced by G.
Protein change: p.Lys908Glu; replaces lysine 908 with glutamic acid.
Molecular consequence: missense variant.
Genome position (GRCh38, 1-based): chr17:31,229,337, A>G. VCF-style: chr17-31229337-A-G. GRCh37 (hg19) VCF-style: chr17-29556355-A-G.
Other names: c.2722A>G, p.Lys908Glu (NM_000267.4); short protein forms K908E.
Identifiers: ClinVar variation 2579812 (VCV002579812.5), dbSNP rs2151429519, ClinGen allele CA398985166.
Genomic context (GRCh38, chr17:31,229,337, plus strand): 5'-GATACACCTGTCAGCAAATTTATGGATCGGCTGTTGTCCTTAATGGTGTGTAACCATGAG[A>G]AAGTGGGACTTCAAATACGGACCAATGTTAAGGATCTGGTGGGTCTAGAATTGAGTCCTG-3'
Protein context (NP_001035957.1, residues 898-918): LLSLMVCNHE[Lys908Glu]VGLQIRTNVK